The following is an entry in ClinVar:

NM_207361.6(FREM2):c.87GCT[8] (p.Leu38_Ser39insLeu)

Gene: FREM2 (FRAS1 related extracellular matrix 2; plus strand). Cytogenetic location: 13q13.3.
Variant type: Microsatellite.
Coding change: c.87GCT[8] on transcript NM_207361.6 (MANE Select); eight copies in a row of the 3-base unit GCT starting at c.87; the reference has seven copies in a row; one copy, 3 bases duplicated; also written c.105_107dup.
Protein change: p.Leu38_Ser39insLeu.
Molecular consequence: inframe insertion.
Genome position (GRCh38, 1-based): chr13:38,687,449-38,687,451, GCT duplicated; duplicating any 3 consecutive bases within chr13:38,687,431-38,687,451 gives the same sequence; the position shown is the placement nearest the transcript's 3' end. VCF-style (leftmost placement, unchanged base first): chr13-38687430-G-GGCT. GRCh37 (hg19) VCF-style: chr13-39261567-G-GGCT.
Other names: c.105_107dupGCT (NM_207361.5); c.105_107dup (NM_207361.4).
Identifiers: ClinVar variation 1992557 (VCV001992557.7), dbSNP rs568736669, ClinGen allele CA6954141.

ClinVar aggregate classification (germline): Conflicting classifications of pathogenicity. Review status: criteria provided, conflicting classifications (1 of 4 stars). 3 submissions from 3 submitters: Uncertain significance (1); Likely benign (1). 1 of the submissions does not count toward it. Last evaluated 2026-01-24.

Conditions:
FREM2-related disorder. Also called: FREM2-related condition.

Submissions (3):

Labcorp Genetics (formerly Invitae), Labcorp
Classification: Likely benign. Last evaluated: 2026-01-24. Review status: criteria provided, single submitter. Criteria: Invitae Variant Classification Sherloc (09022015). Collection method: clinical testing. Allele origin: germline.

GeneDx
Classification: Uncertain significance. Last evaluated: 2022-08-30. Review status: criteria provided, single submitter. Criteria: GeneDx Variant Classification Process June 2021. Collection method: clinical testing. Allele origin: germline. Affected: yes.
Comment: In-frame duplication of one amino acid in a repetitive region with no known function; Has not been previously published as pathogenic or benign to our knowledge

PreventionGenetics, part of Exact Sciences
Classification: Likely benign for FREM2-related condition. Last evaluated: 2019-08-08. Review status: no assertion criteria provided. Collection method: clinical testing. Allele origin: germline. Not counted in ClinVar's aggregate classification.
Comment: This variant is classified as likely benign based on ACMG/AMP sequence variant interpretation guidelines (Richards et al. 2015 PMID: 25741868, with internal and published modifications).